The following is an entry in ClinVar:

ClinVar aggregate classification (germline): Uncertain significance. Review status: criteria provided, multiple submitters, no conflicts (2 of 4 stars). 4 submissions from 4 submitters: Uncertain significance (4). Last evaluated 2023-07-08.

Conditions:
Cardiovascular phenotype. Identifiers: MedGen CN230736.

Allele frequency attached by ClinVar (database versions not stated): gnomAD exomes below 0.00001.
gnomAD v4.1: 5 of 1,527,782 alleles (0.00033%); highest among the groups gnomAD compares: Admixed American, 0.0022%; no homozygotes.

Submissions (4):

GeneDx
Classification: Uncertain significance. Last evaluated: 2023-07-08. Review status: criteria provided, single submitter. Criteria: GeneDx Variant Classification Process June 2021. Collection method: clinical testing. Allele origin: germline. Affected: yes.
Comment: Not observed at significant frequency in large population cohorts (gnomAD); In silico analysis supports that this missense variant has a deleterious effect on protein structure/function; Has not been previously published as pathogenic or benign to our knowledge

Labcorp Genetics (formerly Invitae), Labcorp
Classification: Uncertain significance. Last evaluated: 2023-04-22. Review status: criteria provided, single submitter. Criteria: Invitae Variant Classification Sherloc (09022015). Collection method: clinical testing. Allele origin: germline.
Comment: This variant has not been reported in the literature in individuals affected with EPHB4-related conditions. In summary, the available evidence is currently insufficient to determine the role of this variant in disease. Therefore, it has been classified as a Variant of Uncertain Significance. Advanced modeling of protein sequence and biophysical properties (such as structural, functional, and spatial information, amino acid conservation, physicochemical variation, residue mobility, and thermodynamic stability) performed at Invitae indicates that this missense variant is expected to disrupt EPHB4 protein function. ClinVar contains an entry for this variant (Variation ID: 1679471). This variant is not present in population databases (gnomAD no frequency). This sequence change replaces arginine, which is basic and polar, with tryptophan, which is neutral and slightly polar, at codon 879 of the EPHB4 protein (p.Arg879Trp).

Ambry Genetics
Classification: Uncertain significance for Cardiovascular phenotype. Last evaluated: 2022-11-04. Review status: criteria provided, single submitter. Criteria: Ambry Variant Classification Scheme 2023. Collection method: clinical testing. Allele origin: germline.
Comment: The p.R879W variant (also known as c.2635C>T), located in coding exon 15 of the EPHB4 gene, results from a C to T substitution at nucleotide position 2635. The arginine at codon 879 is replaced by tryptophan, an amino acid with dissimilar properties. This amino acid position is conserved. In addition, the in silico prediction for this alteration is inconclusive. Since supporting evidence is limited at this time, the clinical significance of this alteration remains unclear.

ARUP Laboratories, Molecular Genetics and Genomics, ARUP Laboratories
Classification: Uncertain significance. Last evaluated: 2022-01-21. Review status: criteria provided, single submitter. Criteria: ARUP Molecular Germline Variant Investigation Process 2021. Collection method: clinical testing. Allele origin: germline.
Comment: The EPHB4 c.2635C>T; p.Arg879Trp variant, to our knowledge, is not reported in the medical literature or gene specific databases. This variant is also absent from the Genome Aggregation Database, indicating it is not a common polymorphism. The arginine at codon 879 is highly conserved, and computational analyses are uncertain whether this variant is neutral or deleterious (REVEL: 0.634). Due to limited information, the clinical significance of this variant is uncertain at this time.

NM_004444.5(EPHB4):c.2635C>T (p.Arg879Trp)

Genes: EPHB4 (EPH receptor B4; minus strand), LOC126860124 (CDK7 strongly-dependent group 2 enhancer GRCh37_chr7:100403701-100404900; plus strand). Cytogenetic location: 7q22.1.
Variant type: single nucleotide variant.
Coding change: c.2635C>T on transcript NM_004444.5 (MANE Select); coding-DNA position 2635, C replaced by T.
Protein change: p.Arg879Trp; replaces arginine 879 with tryptophan.
Molecular consequence: missense variant.
Genome position (GRCh38, 1-based): chr7:100,805,544, G>A on the plus strand (C>T on the coding strand, the complement: EPHB4 is on the minus strand). VCF-style: chr7-100805544-G-A. GRCh37 (hg19) VCF-style: chr7-100403166-G-A.
Other names: c.2635C>T (NM_004444.4); short protein forms R879W.
Identifiers: ClinVar variation 1679471 (VCV001679471.13), dbSNP rs2116413763, ClinGen allele CA368566850.